The following is an entry in ClinVar:

ClinVar aggregate classification (germline): Uncertain significance (1 of 4 stars; one submission).

Conditions:
Hereditary cancer-predisposing syndrome. Also called: Hereditary neoplastic syndrome; Hereditary Cancer Syndrome; Neoplastic Syndromes, Hereditary; Tumor predisposition. Identifiers: Orphanet 140162, MedGen C0027672, MeSH D009386, MONDO:0015356.

Submission:

Ambry Genetics
Classification: Uncertain significance for Hereditary cancer-predisposing syndrome. Last evaluated: 2023-04-18. Review status: criteria provided, single submitter. Criteria: Ambry Variant Classification Scheme 2023. Collection method: clinical testing. Allele origin: germline.
Comment: The p.D1636V variant (also known as c.4907A>T), located in coding exon 15 of the APC gene, results from an A to T substitution at nucleotide position 4907. The aspartic acid at codon 1636 is replaced by valine, an amino acid with highly dissimilar properties. This amino acid position is conserved. In addition, in silico predictors for this gene do not accurately predict pathogenicity. Since supporting evidence is limited at this time, the clinical significance of this alteration remains unclear.

NM_000038.6(APC):c.4907A>T (p.Asp1636Val)

Gene: APC (APC regulator of Wnt signaling pathway; plus strand). Cytogenetic location: 5q22.2.
Variant type: single nucleotide variant.
Coding change: c.4907A>T on transcript NM_000038.6 (MANE Select); coding-DNA position 4907, A replaced by T.
Protein change: p.Asp1636Val; replaces aspartic acid 1636 with valine.
Molecular consequence: missense variant. On other transcripts: non-coding transcript variant (2).
Genome position (GRCh38, 1-based): chr5:112,840,501, A>T. VCF-style: chr5-112840501-A-T. GRCh37 (hg19) VCF-style: chr5-112176198-A-T.
Other names: c.4529A>T, p.Asp1510Val (NM_001354904.2); c.4427A>T, p.Asp1476Val (NM_001354905.2); c.4961A>T, p.Asp1654Val (NM_001407448.1, NM_001407449.1, NM_001407447.1 and 1 more transcripts); c.4058A>T, p.Asp1353Val (NM_001354906.2, NM_001407470.1); c.4991A>T, p.Asp1664Val (NM_001407446.1); c.4907A>T, p.Asp1636Val (NM_001127510.3, NM_001354895.2, NM_001407450.1); c.4853A>T, p.Asp1618Val (NM_001127511.3); c.4937A>T, p.Asp1646Val (NM_001354897.2); and 11 more; short protein forms D1252V, D1595V, D1611V, D1654V, D1353V, D1545V, D1577V, D1608V.
Identifiers: ClinVar variation 2566980 (VCV002566980.2), dbSNP rs2149927063, ClinGen allele CA16032081.